The following is an entry in ClinVar:

ClinVar aggregate classification (germline): Uncertain significance (1 of 4 stars; one submission).

Submission:

Labcorp Genetics (formerly Invitae), Labcorp
Classification: Uncertain significance. Last evaluated: 2025-01-27. Review status: criteria provided, single submitter. Criteria: Invitae Variant Classification Sherloc (09022015). Collection method: clinical testing. Allele origin: germline.
Comment: This sequence change replaces valine, which is neutral and non-polar, with alanine, which is neutral and non-polar, at codon 481 of the SKIV2L protein (p.Val481Ala). This variant is not present in population databases (gnomAD no frequency). This variant has not been reported in the literature in individuals affected with SKIV2L-related conditions. ClinVar contains an entry for this variant (Variation ID: 1506939). An algorithm developed to predict the effect of missense changes on protein structure and function outputs the following: PolyPhen-2: "Benign". The alanine amino acid residue is found in multiple mammalian species, which suggests that this missense change does not adversely affect protein function. In summary, the available evidence is currently insufficient to determine the role of this variant in disease. Therefore, it has been classified as a Variant of Uncertain Significance.

NM_006929.5(SKIC2):c.1442T>C (p.Val481Ala)

Gene: SKIC2 (SKI2 subunit of superkiller complex; plus strand). Cytogenetic location: 6p21.33.
Variant type: single nucleotide variant.
Coding change: c.1442T>C on transcript NM_006929.5 (MANE Select); coding-DNA position 1442, T replaced by C.
Protein change: p.Val481Ala; replaces valine 481 with alanine.
Molecular consequence: missense variant.
Genome position (GRCh38, 1-based): chr6:31,963,451, T>C. VCF-style: chr6-31963451-T-C. GRCh37 (hg19) VCF-style: chr6-31931228-T-C.
Other names: short protein forms V481A.
Identifiers: ClinVar variation 1506939 (VCV001506939.8), dbSNP rs2151809197, ClinGen allele CA363456683.